The following is an entry in ClinVar:

NM_004006.3(DMD):c.8605G>A (p.Val2869Ile)

Gene: DMD (dystrophin; minus strand). Cytogenetic location: Xp21.2.
Variant type: single nucleotide variant.
Coding change: c.8605G>A on transcript NM_004006.3 (MANE Select); coding-DNA position 8605, G replaced by A.
Protein change: p.Val2869Ile; replaces valine 2869 with isoleucine.
Molecular consequence: missense variant.
Genome position (GRCh38, 1-based): chrX:31,479,046, C>T on the plus strand (G>A on the coding strand, the complement: DMD is on the minus strand). VCF-style: chrX-31479046-C-T. GRCh37 (hg19) VCF-style: chrX-31497163-C-T.
Other names: c.8581G>A, p.Val2861Ile (NM_000109.4); c.8593G>A, p.Val2865Ile (NM_004009.3); c.8236G>A, p.Val2746Ile (NM_004010.3); c.4582G>A, p.Val1528Ile (NM_004011.4); c.4573G>A, p.Val1525Ile (NM_004012.4); c.1225G>A, p.Val409Ile (NM_004013.3, NM_004020.4, NM_004021.3 and 2 more transcripts); c.418G>A, p.Val140Ile (NM_004014.3); short protein forms V1528I, V2865I, V2869I, V2746I, V409I, V2861I, V140I, V1525I.
Identifiers: ClinVar variation 3689446 (VCV003689446.2).
Genomic context (GRCh38, chrX:31,479,046, plus strand): 5'-TGGGCTCCTGGTAGAGTTTCTCTAGTCCTTCCAAAGGCTGCTCTGTCAGAAATATTCGTA[C>T]AGTCTCAAGAGTACTCATGATTACAGGTTCTTTAGTTTTCAATTCCCTCTTGAAGGCCTG-3'
Protein context (NP_003997.2, residues 2859-2879): EPVIMSTLET[Val2869Ile]RIFLTEQPLE

ClinVar aggregate classification (germline): Uncertain significance (1 of 4 stars; one submission).

Conditions:
Duchenne muscular dystrophy (DMD). Also called: MUSCULAR DYSTROPHY, PSEUDOHYPERTROPHIC PROGRESSIVE, DUCHENNE TYPE; Duchenne Muscular Dystrophy (DMD). Identifiers: Orphanet 98896, MedGen C0013264, MONDO:0010679, OMIM 310200.

Submission:

Labcorp Genetics (formerly Invitae), Labcorp
Classification: Uncertain significance for Duchenne muscular dystrophy. Last evaluated: 2024-06-09. Review status: criteria provided, single submitter. Criteria: Invitae Variant Classification Sherloc (09022015). Collection method: clinical testing. Allele origin: germline.
Comment: This sequence change replaces valine, which is neutral and non-polar, with isoleucine, which is neutral and non-polar, at codon 2869 of the DMD protein (p.Val2869Ile). This variant is not present in population databases (gnomAD no frequency). This variant has not been reported in the literature in individuals affected with DMD-related conditions. Advanced modeling of protein sequence and biophysical properties (such as structural, functional, and spatial information, amino acid conservation, physicochemical variation, residue mobility, and thermodynamic stability) performed at Invitae indicates that this missense variant is not expected to disrupt DMD protein function with a negative predictive value of 95%. In summary, the available evidence is currently insufficient to determine the role of this variant in disease. Therefore, it has been classified as a Variant of Uncertain Significance.